The following is an entry in ClinVar:

ClinVar aggregate classification (germline): Uncertain significance (1 of 4 stars; one submission).

Allele frequency attached by ClinVar (database versions not stated): gnomAD exomes below 0.00001.

Submission:

GeneDx
Classification: Uncertain significance. Last evaluated: 2023-01-09. Review status: criteria provided, single submitter. Criteria: GeneDx Variant Classification Process June 2021. Collection method: clinical testing. Allele origin: germline. Affected: yes.
Comment: Not observed at significant frequency in large population cohorts (gnomAD); In silico analysis supports that this missense variant does not alter protein structure/function; Has not been previously published as pathogenic or benign to our knowledge

NM_017802.4(DNAAF5):c.1643T>C (p.Met548Thr)

Gene: DNAAF5 (dynein axonemal assembly factor 5; plus strand). Cytogenetic location: 7p22.3.
Variant type: single nucleotide variant.
Coding change: c.1643T>C on transcript NM_017802.4 (MANE Select); coding-DNA position 1643, T replaced by C.
Protein change: p.Met548Thr; replaces methionine 548 with threonine.
Molecular consequence: missense variant. On other transcripts: non-coding transcript variant (1).
Genome position (GRCh38, 1-based): chr7:763,834, T>C. VCF-style: chr7-763834-T-C. GRCh37 (hg19) VCF-style: chr7-803471-T-C.
Other names: short protein forms M548T.
Identifiers: ClinVar variation 2571944 (VCV002571944.1), dbSNP rs2484129768, ClinGen allele CA366540005.
Genomic context (GRCh38, chr7:763,834, plus strand): 5'-AATTGTCTCAGTCTCTGACTTGTAACCTCCAGGCACAGGAGACGATGGACTCACTGGCCA[T>C]GGTGGAGGGTGTCAGCAGCTGCCAGGACCTCTACCGCAAGCACATTGGTCCCCTCCTGGA-3'
Protein context (NP_060272.3, residues 538-558): KAQETMDSLA[Met548Thr]VEGVSSCQDL